The following is an entry in ClinVar:

NM_031220.4(PITPNM3):c.1477C>G (p.Arg493Gly)

Gene: PITPNM3 (PITPNM family member 3; minus strand). Cytogenetic location: 17p13.2.
Variant type: single nucleotide variant.
Coding change: c.1477C>G on transcript NM_031220.4 (MANE Select); coding-DNA position 1477, C replaced by G.
Protein change: p.Arg493Gly; replaces arginine 493 with glycine.
Molecular consequence: missense variant.
Genome position (GRCh38, 1-based): chr17:6,471,308, G>C on the plus strand (C>G on the coding strand, the complement: PITPNM3 is on the minus strand). VCF-style: chr17-6471308-G-C. GRCh37 (hg19) VCF-style: chr17-6374628-G-C.
Other names: c.1369C>G, p.Arg457Gly (NM_001165966.2); short protein forms R457G, R493G.
Identifiers: ClinVar variation 961614 (VCV000961614.9), dbSNP rs147943969, ClinGen allele CA8329490.

ClinVar aggregate classification (germline): Uncertain significance (1 of 4 stars; one submission).

gnomAD v4.1: 2 of 1,609,924 alleles (0.00012%); highest among the groups gnomAD compares: South Asian, 0.0011%; no homozygotes.

Submission:

Labcorp Genetics (formerly Invitae), Labcorp
Classification: Uncertain significance. Last evaluated: 2025-01-06. Review status: criteria provided, single submitter. Criteria: Invitae Variant Classification Sherloc (09022015). Collection method: clinical testing. Allele origin: germline.
Comment: This sequence change replaces arginine, which is basic and polar, with glycine, which is neutral and non-polar, at codon 493 of the PITPNM3 protein (p.Arg493Gly). This variant is present in population databases (rs147943969, gnomAD 0.003%). This variant has not been reported in the literature in individuals affected with PITPNM3-related conditions. ClinVar contains an entry for this variant (Variation ID: 961614). An algorithm developed to predict the effect of missense changes on protein structure and function (PolyPhen-2) suggests that this variant is likely to be tolerated. In summary, the available evidence is currently insufficient to determine the role of this variant in disease. Therefore, it has been classified as a Variant of Uncertain Significance.